The following is an entry in ClinVar:

ClinVar aggregate classification (germline): Conflicting classifications of pathogenicity. Review status: criteria provided, conflicting classifications (1 of 4 stars). 17 submissions from 17 submitters: Uncertain significance (7); Likely benign (8). 2 of the submissions do not count toward it. Last evaluated 2026-06-09.

Conditions:
Inborn genetic diseases. Identifiers: MedGen C0950123, MeSH D030342.
Neuronal ceroid lipofuscinosis 8 northern epilepsy variant. Also called: EPILEPSY, PROGRESSIVE, WITH MENTAL RETARDATION; NORTHERN EPILEPSY. Identifiers: Orphanet 1947, MedGen C1864923, MONDO:0012391, OMIM 610003.
Neuronal ceroid lipofuscinosis 8 (CLN8). Also called: CLN8-Related Neuronal Ceroid-Lipofuscinosis. Identifiers: Orphanet 168491, Orphanet 228354, Orphanet 79264, MedGen C1838570, MONDO:0010830, OMIM 600143.
Neuronal ceroid lipofuscinosis. Also called: Neuronal Ceroid Lipofuscinoses. Identifiers: Orphanet 216, Orphanet 79263, MedGen C0027877, MONDO:0016295. Disease mechanism: loss of function.
Intellectual disability. Also called: intellectual disabilities; Intellectual functioning disability; Intellectual developmental disorder. Identifiers: MedGen C3714756, MeSH D008607, MONDO:0001071, HP:0001249.

Allele frequency attached by ClinVar (database versions not stated): 1000 Genomes Project 30x 0.00031; 1000 Genomes Project 0.00040; ExAC 0.00082; gnomAD 0.00083 and 0.00084; ESP Exome Variant Server 0.00085; TOPMed 0.00096; gnomAD exomes 0.00097.

Submissions (17):

Women's Health and Genetics/Laboratory Corporation of America, LabCorp
Classification: Likely benign. Last evaluated: 2026-06-09. Review status: criteria provided, single submitter. Criteria: LabCorp Variant Classification Summary - May 2015. Collection method: clinical testing. Allele origin: germline.
Comment: Variant summary: CLN8 c.374A>G (p.Asn125Ser) results in a conservative amino acid change located in the TRAM/LAG1/CLN8 homology domain (IPR006634) of the encoded protein sequence. Algorithms developed to predict the effect of missense changes on protein structure and function all suggest that this variant is likely to be tolerated. The variant allele was found at a frequency of 0.00097 in 251482 control chromosomes, predominantly at a frequency of 0.0022 within the South Asian subpopulation in the gnomAD database. The observed variant frequency within South Asian control individuals in the gnomAD database exceeds the estimated maximal expected allele frequency for disease-causing variants in CLN8. Co-occurrences with at least one other pathogenic variant has been reported in an individual homozygous for the variant of interest and homozygous for a RELN variant (c.9841del, p.Ala3281fs, Alfares_2017), providing supporting evidence for a benign role. To our knowledge, no experimental evidence demonstrating an impact on protein function has been reported. The following publications have been ascertained in the context of this evaluation (PMID: 28454995, 29961513, 31741823, 21990111). ClinVar contains an entry for this variant (Variation ID: 205207). Based on the evidence outlined above, the variant was classified as likely benign.

Ambry Genetics
Classification: Likely benign for Inborn genetic diseases. Last evaluated: 2026-05-22. Review status: criteria provided, single submitter. Criteria: Ambry Variant Classification Scheme 2023. Collection method: clinical testing. Allele origin: germline.

Labcorp Genetics (formerly Invitae), Labcorp
Classification: Likely benign for Neuronal ceroid lipofuscinosis. Last evaluated: 2026-01-28. Review status: criteria provided, single submitter. Criteria: Invitae Variant Classification Sherloc (09022015). Collection method: clinical testing. Allele origin: germline.

Athena Diagnostics
Classification: Likely benign. Last evaluated: 2025-02-26. Review status: criteria provided, single submitter. Criteria: Athena Diagnostics Criteria. Collection method: clinical testing. Allele origin: unknown.
Comment: The frequency of this variant in the general population is higher than would generally be expected for pathogenic variants in this gene. Computational tools predict this amino acid change may be benign.

Blueprint Genetics
Classification: Likely benign. Last evaluated: 2024-11-04. Review status: criteria provided, single submitter. Criteria: ACMG Guidelines, 2015. Collection method: clinical testing. Allele origin: germline.

GeneDx
Classification: Likely benign. Last evaluated: 2023-07-12. Review status: criteria provided, single submitter. Criteria: GeneDx Variant Classification Process June 2021. Collection method: clinical testing. Allele origin: germline. Affected: yes.
Comment: See Variant Classification Assertion Criteria.

Revvity Omics, Revvity
Classification: Uncertain significance. Last evaluated: 2021-11-09. Review status: criteria provided, single submitter. Criteria: ACMG Guidelines, 2015. Collection method: clinical testing. Allele origin: germline.

Department of Pathology and Laboratory Medicine, Sinai Health System
Classification: Likely benign for neuronal ceroid lipofuscinosis. Last evaluated: 2021-07-30. Review status: criteria provided, single submitter. Criteria: ACMG Guidelines, 2015. Collection method: research. Allele origin: germline.

Mayo Clinic Laboratories, Mayo Clinic
Classification: Uncertain significance. Last evaluated: 2021-06-30. Review status: criteria provided, single submitter. Criteria: ACMG Guidelines, 2015. Collection method: clinical testing. Allele origin: germline.

New York Genome Center
Classification: Uncertain significance for Neuronal ceroid lipofuscinosis 8. Last evaluated: 2020-05-26. Review status: criteria provided, single submitter. Criteria: NYGC Assertion Criteria 2020. Collection method: clinical testing. Allele origin: germline. Inheritance: Autosomal recessive inheritance. Observed: 1 heterozygote. Study: CSER-NYCKidSeq.

Baylor Genetics
Classification: Uncertain significance for Neuronal ceroid lipofuscinosis 8. Last evaluated: 2019-02-13. Review status: criteria provided, single submitter. Criteria: ACMG Guidelines, 2015. Collection method: clinical testing. Allele origin: paternal. Affected: yes.
Comment: This variant was determined to be of uncertain significance according to ACMG Guidelines, 2015 [PMID:25741868].

SIB Swiss Institute of Bioinformatics
Classification: Likely benign for Neuronal ceroid lipofuscinosis 8. Last evaluated: 2018-05-31. Review status: criteria provided, single submitter. Criteria: ACMG Guidelines, 2015. Collection method: curation. Allele origin: unknown.
Comment: This variant is interpreted as a Likely Benign, for Ceroid lipofuscinosis, neuronal, 8, in Autosomal Recessive manner. The following ACMG Tag(s) were applied: BP4 => Multiple lines of computational evidence suggest no impact on gene or gene product (conservation, evolutionary, splicing impact, etc.). BS1 => Allele frequency is greater than expected for disorder.

Eurofins Ntd Llc (ga)
Classification: Uncertain significance. Last evaluated: 2016-07-19. Review status: criteria provided, single submitter. Criteria: EGL Classification Definitions 2015. Collection method: clinical testing. Allele origin: germline. Observed: 2 variant alleles, 2 heterozygotes.

Genetic Services Laboratory, University of Chicago
Classification: Uncertain significance. Last evaluated: 2015-08-10. Review status: criteria provided, single submitter. Criteria: ACMG Guidelines, 2015. Collection method: clinical testing. Allele origin: germline. Affected: no.

Center for Genomics, Ann and Robert H. Lurie Children's Hospital of Chicago
Classification: Uncertain significance for Neuronal ceroid lipofuscinosis 8 northern epilepsy variant; Neuronal ceroid lipofuscinosis 8. Review status: criteria provided, single submitter. Criteria: ACMG Guidelines, 2015. Collection method: clinical testing. Allele origin: germline.
Comment: This variant has been reported in the literature in the homozygous state in at least 1 individual with a complex neurological phenotype; this individual also carried a homozygous frameshift variant in a different neurological gene (RELN). This variant was also identified in the heterozygous state in 1 individual with suspicion of a lysosomal storage disorder and this variant was also identified in 1 individual with "CLN8-related disease", though no other variants were reported in the individual (Kousi 2012 PMID: 21990111, Alfares 2017 PMID:28454995, Gheldof 2019 PMID:30548430). This variant is present in the Genome Aggregation Database (Highest reported MAF 0.1% (19/15276). This variant is present in ClinVar, with classifications ranging from Variant of Uncertain Significance to Likely Benign (Variation ID:205207). This variant amino acid Serine (Ser) is present in several species including multiple mammals and is not well conserved among evolutionarily distant species; this suggests that this variant may not impact the protein. Additional computational prediction tools do not suggest an impact. In summary, data on this variant is insufficient for disease classification. Therefore, the clinical significance of this variant is uncertain

Biochemical Molecular Genetic Laboratory, King Abdulaziz Medical City
Classification: Likely pathogenic for Neuronal ceroid lipofuscinosis 8. Last evaluated: 2019-09-26. Review status: no assertion criteria provided. Collection method: clinical testing. Allele origin: germline. Affected: yes. Not counted in ClinVar's aggregate classification.

Centre de Biologie Pathologie Génétique, Centre Hospitalier Universitaire de Lille
Classification: Uncertain significance for Intellectual disability. Last evaluated: 2019-01-01. Review status: no assertion criteria provided. Collection method: clinical testing. Allele origin: unknown. Affected: yes. Not counted in ClinVar's aggregate classification.

Literature cited by the submitters: PubMed 21990111 (cited by Women's Health and Genetics/Laboratory Corporation of America, LabCorp and Athena Diagnostics); PubMed 31741823 (cited by Women's Health and Genetics/Laboratory Corporation of America, LabCorp and Athena Diagnostics); PubMed 28454995 (cited by Women's Health and Genetics/Laboratory Corporation of America, LabCorp and Athena Diagnostics); PubMed 29961513 (cited by Women's Health and Genetics/Laboratory Corporation of America, LabCorp and Athena Diagnostics); PubMed 30919163 (cited by Athena Diagnostics); PubMed 30548430 (cited by Athena Diagnostics); PubMed 27553520 (cited by Athena Diagnostics).

NM_018941.4(CLN8):c.374A>G (p.Asn125Ser)

Gene: CLN8 (CLN8 transmembrane ER and ERGIC protein; plus strand). Cytogenetic location: 8p23.3.
Variant type: single nucleotide variant.
Coding change: c.374A>G on transcript NM_018941.4 (MANE Select); coding-DNA position 374, A replaced by G.
Protein change: p.Asn125Ser; replaces asparagine 125 with serine.
Molecular consequence: missense variant.
Genome position (GRCh38, 1-based): chr8:1,771,428, A>G. VCF-style: chr8-1771428-A-G. GRCh37 (hg19) VCF-style: chr8-1719594-A-G.
Other names: p.N125S:AAC>AGC; NM_018941.3(CLN8):c.374A>G(p.Asn125Ser); short protein forms N125S.
Identifiers: ClinVar variation 205207 (VCV000205207.45), dbSNP rs142269885, ClinGen allele CA314053.
Genomic context (GRCh38, chr8:1,771,428, plus strand): 5'-TTCACATCACGACAGCAACGGGATTCTTTTGCTTTGAAAATGTTGCAGTCCACCTGTCCA[A>G]CTTGATCTTCCGGACATTTGACTTGTTTCTGGTTATCCACCATCTCTTTGCCTTTCTTGG-3'
Protein context (NP_061764.2, residues 115-135): CFENVAVHLS[Asn125Ser]LIFRTFDLFL